The following is an entry in ClinVar:

ClinVar aggregate classification (germline): Uncertain significance (1 of 4 stars; one submission).

Submission:

Ambry Genetics
Classification: Uncertain significance. Last evaluated: 2021-10-29. Review status: criteria provided, single submitter. Criteria: Ambry Variant Classification Scheme 2023. Collection method: clinical testing. Allele origin: germline.
Comment: The p.W4121S variant (also known as c.12362G>C), located in coding exon 86 of the PRKDC gene, results from a G to C substitution at nucleotide position 12362. The tryptophan at codon 4121 is replaced by serine, an amino acid with highly dissimilar properties. This amino acid position is conserved. In addition, this alteration is predicted to be deleterious by in silico analysis. Since supporting evidence is limited at this time, the clinical significance of this alteration remains unclear.

NM_006904.7(PRKDC):c.12362G>C (p.Trp4121Ser)

Gene: PRKDC (protein kinase, DNA-activated, catalytic subunit; minus strand). Cytogenetic location: 8q11.21.
Variant type: single nucleotide variant.
Coding change: c.12362G>C on transcript NM_006904.7 (MANE Select); coding-DNA position 12362, G replaced by C.
Protein change: p.Trp4121Ser; replaces tryptophan 4121 with serine.
Molecular consequence: missense variant.
Genome position (GRCh38, 1-based): chr8:47,774,198, C>G on the plus strand (G>C on the coding strand, the complement: PRKDC is on the minus strand). VCF-style: chr8-47774198-C-G. GRCh37 (hg19) VCF-style: chr8-48686759-C-G.
Other names: c.12269G>C, p.Trp4090Ser (NM_001081640.2); short protein forms W4090S, W4121S.
Identifiers: ClinVar variation 1756780 (VCV001756780.2), dbSNP rs2551859117, ClinGen allele CA371126490.